The following is an entry in ClinVar:

NM_001374736.1(DST):c.16344G>T (p.Met5448Ile)

Gene: DST (dystonin; minus strand). Cytogenetic location: 6p12.1.
Variant type: single nucleotide variant.
Coding change: c.16344G>T on transcript NM_001374736.1 (MANE Select); coding-DNA position 16344, G replaced by T.
Protein change: p.Met5448Ile; replaces methionine 5448 with isoleucine.
Molecular consequence: missense variant.
Genome position (GRCh38, 1-based): chr6:56,552,448, C>A on the plus strand (G>T on the coding strand, the complement: DST is on the minus strand). VCF-style: chr6-56552448-C-A. GRCh37 (hg19) VCF-style: chr6-56417246-C-A.
Other names: c.9987G>T, p.Met3329Ile (NM_001144769.5); c.9573G>T, p.Met3191Ile (NM_001144770.2); c.16344G>T, p.Met5448Ile (NM_001374722.1); c.15711G>T, p.Met5237Ile (NM_001374729.1); c.9453G>T, p.Met3151Ile (NM_001374730.1, NM_001386100.1, NM_183380.4); c.16371G>T, p.Met5457Ile (NM_001374734.1); c.8475G>T, p.Met2825Ile (NM_015548.5); short protein forms M5448I, M5457I, M3191I, M5237I, M3151I, M3329I, M2825I.
Identifiers: ClinVar variation 1768808 (VCV001768808.2), dbSNP rs1202165570, ClinGen allele CA364513814.
Genomic context (GRCh38, chr6:56,552,448, plus strand): 5'-GGCCTCCAAGTCCCTTTTGATTCCAACAAGGTCAGGAGAGGTTTCTTCTGTGGCTAACAT[C>A]ATCTTGCAGGTTTTATTGGCATTGTCATTGCTTGCCATGAGGGCTTCTAGTTTCTTTAGA-3'
Protein context (NP_001361665.1, residues 5438-5458): SNDNANKTCK[Met5448Ile]MLATEETSPD

ClinVar aggregate classification (germline): Uncertain significance (1 of 4 stars; one submission).

Conditions:
Inborn genetic diseases. Identifiers: MedGen C0950123, MeSH D030342.

gnomAD v4.1: 1 of 1,614,004 alleles (0.000062%); highest among the groups gnomAD compares: Non-Finnish European, 0.000085%; no homozygotes.

Submission:

Ambry Genetics
Classification: Uncertain significance for Inborn genetic diseases. Last evaluated: 2021-03-25. Review status: criteria provided, single submitter. Criteria: Ambry Variant Classification Scheme 2023. Collection method: clinical testing. Allele origin: germline.
Comment: The p.M3329I variant (also known as c.9987G>T), located in coding exon 55 of the DST gene, results from a G to T substitution at nucleotide position 9987. The methionine at codon 3329 is replaced by isoleucine, an amino acid with highly similar properties. This amino acid position is not well conserved in available vertebrate species, and isoleucine is the reference amino acid in other vertebrate species. In addition, this alteration is predicted to be tolerated by in silico analysis. Since supporting evidence is limited at this time, the clinical significance of this alteration remains unclear.